The following is an entry in ClinVar:

NM_000159.4(GCDH):c.680G>C (p.Arg227Pro)

Gene: GCDH (glutaryl-CoA dehydrogenase; plus strand). Cytogenetic location: 19p13.13.
Variant type: single nucleotide variant.
Coding change: c.680G>C on transcript NM_000159.4 (MANE Select); coding-DNA position 680, G replaced by C.
Protein change: p.Arg227Pro; replaces arginine 227 with proline.
Molecular consequence: missense variant. On other transcripts: non-coding transcript variant (2).
Genome position (GRCh38, 1-based): chr19:12,896,249, G>C. VCF-style: chr19-12896249-G-C. GRCh37 (hg19) VCF-style: chr19-13007063-G-C.
Other names: c.680G>C, p.Arg227Pro (NM_013976.5); short protein forms R227P.
Identifiers: ClinVar variation 2089 (VCV000002089.46), dbSNP rs121434373, ClinGen allele CA220441.

ClinVar aggregate classification (germline): Pathogenic. Review status: criteria provided, multiple submitters, no conflicts (2 of 4 stars). 19 submissions from 19 submitters: Pathogenic (17). 2 of the submissions do not count toward it. Last evaluated 2026-03-12.

Conditions:
GCDH-related disorder. Also called: GCDH-related condition.
Glutaric aciduria, type 1. Also called: GA I; Glutaricaciduria, type I; Glutaric acidemia type I; Glutaric Acidemia Type 1; Glutaricacidemia Type 1; Glutaryl-CoA dehydrogenase deficiency. Identifiers: Orphanet 25, MedGen C0268595, MONDO:0009281, OMIM 231670.

Allele frequency attached by ClinVar (database versions not stated): gnomAD 0.00026; TOPMed 0.00033.
gnomAD v4.1: 636 of 1,612,232 alleles (0.039%); highest among the groups gnomAD compares: Non-Finnish European, 0.05%; no homozygotes.

Submissions 1 to 13 of 19:

Dasa
Classification: Pathogenic. Last evaluated: 2026-03-12. Review status: criteria provided, single submitter. Criteria: DASA Assertion Criteria. Collection method: clinical testing. Allele origin: germline.
Comment: NM_000159.4(GCDH):c.680G>C (p.Arg227Pro) is a missense variant that results in the substitution of arginine with proline. This variant has been recurrently observed in affected individuals with related phenotype in a genotype context consistent with recessive disease (PMID: 8900227; PMID: 28438223; PMID: 10066389; PMID: 23395213; PMID: 28062662). Functional evidence supports a deleterious effect on the gene or gene product (PMID: 8900227; PMID: 28438223; PMID: 10066389; PMID: 23395213; PMID: 28062662). Multiple computational predictions support a deleterious effect on the gene or gene product. The variant is present at low frequency in population datasets. Based on the available data, this variant is classified as pathogenic.

OLLIN Analises Genomicas, OLLIN
Classification: Pathogenic for Glutaric aciduria, type 1. Last evaluated: 2026-02-13. Review status: criteria provided, single submitter. Criteria: ACMG Guidelines 2015 PMID 25741868. Collection method: clinical testing. Allele origin: germline. Observed: 1 variant allele.
Comment: PS3_P, PM1, PM2_P, PM3_VS, PM5, PP2, PP3

Labcorp Genetics (formerly Invitae), Labcorp
Classification: Pathogenic for Glutaric aciduria, type 1. Last evaluated: 2026-02-02. Review status: criteria provided, single submitter. Criteria: Invitae Variant Classification Sherloc (09022015). Collection method: clinical testing. Allele origin: germline.
Comment: This sequence change replaces arginine, which is basic and polar, with proline, which is neutral and non-polar, at codon 227 of the GCDH protein (p.Arg227Pro). This variant is present in population databases (rs121434373, gnomAD 0.04%). This missense change has been observed in individual(s) with glutaric acidemia (PMID: 9266361, 10066389, 10960496, 11073722, 22728054, 23395213, 28438223). ClinVar contains an entry for this variant (Variation ID: 2089). Invitae Evidence Modeling of protein sequence and biophysical properties (such as structural, functional, and spatial information, amino acid conservation, physicochemical variation, residue mobility, and thermodynamic stability) indicates that this missense variant is expected to disrupt GCDH protein function with a positive predictive value of 80%. Experimental studies have shown that this missense change affects GCDH function (PMID: 8900227). For these reasons, this variant has been classified as Pathogenic.

Variantyx, Inc.
Classification: Pathogenic for Glutaric aciduria, type 1. Last evaluated: 2025-11-06. Review status: criteria provided, single submitter. Criteria: Variantyx Assertion Criteria 2022. Collection method: clinical testing. Allele origin: germline. Inheritance: Autosomal recessive inheritance. Affected: no.
Comment: This is a nonsynonymous variant in the GCDH gene (OMIM: 608801). Pathogenic variants in this gene have been associated with autosomal recessive glutaric acidemia I (GA1). This variant has been identified in the homozygous or compound heterozygous state inat least in 12 individuals reported in the published literature (PMID: 10066389, 9266361, 10960496, 35822093), (PM3). Functional studies have shown that this variant alters GCDH protein function (PMID: 8900227) (PS3), and multiple computational algorithms predict a deleterious effect for this variant (REVEL score: 0.712) (PP3). This variant lies within a known hotspot for pathogenic variants or a well-established critical functional domain of the GCDH protein (PMID: 9600243) (PM1). It has a 0.0505% maximum allele frequency in non-founder control populations (PM2). Based on the current evidence, this variant is classified as pathogenic for autosomal recessive glutaric acidemia I (GA1).

Natera, Inc.
Classification: Pathogenic for Glutaric acidemia type 1. Last evaluated: 2025-10-16. Review status: criteria provided, single submitter. Criteria: Natera Variant Classification Schema (03/2026). Collection method: clinical testing. Allele origin: germline.
Comment: The c.680G>C variant in GCDH is a missense variant predicted to cause substitution of arginine to proline at amino acid 227. This variant is rare in the general population with a frequency below the threshold expected for the associated phenotype(s). This variant has been observed in one or more individuals affected with the associated recessive disease, as either homozygous or compound heterozygous with a second variant (PMID: 15505393, 23395213). Computational prediction algorithms indicate this variant is likely to affect gene or protein function. Given the available evidence, this variant is classified as Pathogenic.

PreventionGenetics, part of Exact Sciences
Classification: Pathogenic for GCDH-related condition. Last evaluated: 2024-11-07. Review status: criteria provided, single submitter. Criteria: ACMG Guidelines, 2015. Collection method: clinical testing. Allele origin: germline.
Comment: The GCDH c.680G>C variant is predicted to result in the amino acid substitution p.Arg227Pro. This variant has been reported to be causative for glutaric acidemia type I (Biery et al. 1996. PubMedID: 8900227; Busquets et al. 2000. PubMedID: 10960496; Pokora et al. 2018. PubMed ID: 30570710). In the homozygous state or compound heterozygous state with certain other variants, this particular variant has been associated with ‘mild’ glutaric aciduria (Treacy et al. 2003. PubMed ID: 12872844; Christensen et al. 2004. PubMed ID: 15505393). This variant is reported in 0.036% of alleles in individuals of European (Non-Finnish) descent in gnomAD. This variant is interpreted as pathogenic.

North West Genomic Laboratory Hub, Manchester University NHS Foundation Trust
Classification: Pathogenic for Glutaric aciduria, type 1. Last evaluated: 2024-09-02. Review status: criteria provided, single submitter. Criteria: ACGS Best Practice Guidelines for Variant Classification in Rare Disease 2020. Collection method: clinical testing. Allele origin: germline. Affected: yes.
Comment: PM3_Str PM2_Mod PP4_Mod PS3_Supp PP3_Supp

Fulgent Genetics
Classification: Pathogenic for Glutaric aciduria, type 1. Last evaluated: 2024-01-30. Review status: criteria provided, single submitter. Criteria: ACMG Guidelines, 2015. Collection method: clinical testing. Allele origin: germline.

Revvity Omics, Revvity
Classification: Pathogenic for Glutaric aciduria, type 1. Last evaluated: 2023-10-27. Review status: criteria provided, single submitter. Criteria: ACMG Guidelines, 2015. Collection method: clinical testing. Allele origin: germline.

Blueprint Genetics
Classification: Pathogenic for GCDH-related disorders. Last evaluated: 2023-10-10. Review status: criteria provided, single submitter. Criteria: ACMG Guidelines, 2015. Collection method: clinical testing. Allele origin: germline. Affected: yes. Observed: 4 variant alleles.

GeneDx
Classification: Pathogenic. Last evaluated: 2020-07-06. Review status: criteria provided, single submitter. Criteria: GeneDx Variant Classification Process June 2021. Collection method: clinical testing. Allele origin: germline. Affected: yes.
Comment: Published functional studies demonstrate a reduction in glutaryl-CoA dehydrogenase enzyme activity by more than 95% (Biery et al., 1996); In silico analysis, which includes protein predictors and evolutionary conservation, supports a deleterious effect; This variant is associated with the following publications: (PMID: 11073722, 9600243, 15505393, 28794906, 22728054, 25087612, 10699052, 10960496, 8900227, 28062662, 28438223, 10066389, 9266361, 10384381, 27397597, 18683078, 20629163, 23395213, 29458885, 30570710, 31491587, 12872844, 31589614)

Myriad Genetics, Inc.
Classification: Pathogenic for Glutaric aciduria, type 1. Last evaluated: 2019-12-20. Review status: criteria provided, single submitter. Criteria: Myriad Women's Health Autosomal Recessive and X-Linked Classification Criteria (2019). Collection method: clinical testing. Allele origin: unknown.
Comment: NM_000159.2(GCDH):c.680G>C(R227P) is classified as pathogenic in the context of glutaric acidemia, GCDH-related. Sources cited for classification include the following: PMID 8900227, 10960496, 10384381, 29665094, 11015709, 22728054, 30570710, 12872844 and 9266361. Classification of NM_000159.2(GCDH):c.680G>C(R227P) is based on the following criteria: This is a well-established pathogenic variant in the literature that has been observed more frequently in patients with clinical diagnoses than in healthy populations. Please note: this variant was assessed in the context of healthy population screening.

Genetic Services Laboratory, University of Chicago
Classification: Pathogenic. Last evaluated: 2019-03-06. Review status: criteria provided, single submitter. Criteria: ACMG Guidelines, 2015. Collection method: clinical testing. Allele origin: germline. Affected: yes.
Comment: DNA sequence analysis of the GCDH gene demonstrated a sequence change, c.680G>C, in exon 8 that results in an amino acid change, p.Arg227Pro. This sequence change has been previously described in patients with glutaryl-CoA dehydrogenase (GCDH) deficiency in the homozygous and the compound heterozygous state (PMIDs: 10066389, 23395213, 9266361). This variant also showed reduced GCD activity by >95% when expressed in E coli (PMID: 8900227). This sequence change has been described in the gnomAD database with a low population frequency of 0.019% (dbSNP rs121434373). The p.Arg227Pro change affects a moderately conserved amino acid residue located in a domain of the GCDH protein that is known to be functional. In-silico pathogenicity prediction tools (SIFT, PolyPhen2, Align GVGD, REVEL) provide contradictory results for the p.Arg227Pro substitution.